The following is an entry in ClinVar:

NM_000532.5(PCCB):c.1162C>G (p.Leu388Val)

Gene: PCCB (propionyl-CoA carboxylase subunit beta; plus strand). Cytogenetic location: 3q22.3.
Variant type: single nucleotide variant.
Coding change: c.1162C>G on transcript NM_000532.5 (MANE Select); coding-DNA position 1162, C replaced by G.
Protein change: p.Leu388Val; replaces leucine 388 with valine.
Molecular consequence: missense variant.
Genome position (GRCh38, 1-based): chr3:136,326,874, C>G. VCF-style: chr3-136326874-C-G. GRCh37 (hg19) VCF-style: chr3-136045716-C-G.
Other names: c.1222C>G, p.Leu408Val (NM_001178014.2); short protein forms L388V, L408V.
Identifiers: ClinVar variation 4740194 (VCV004740194.1).

ClinVar aggregate classification (germline): Uncertain significance (1 of 4 stars; one submission).

Conditions:
Propionic acidemia (PROP). Also called: GLYCINEMIA, KETOTIC; HYPERGLYCINEMIA WITH KETOACIDOSIS AND LEUKOPENIA; KETOTIC HYPERGLYCINEMIA. Identifiers: Orphanet 35, MedGen C0268579, MONDO:0011628, OMIM 606054, HP:0003571.

gnomAD v4.1: 1 of 1,612,848 alleles (0.000062%); highest among the groups gnomAD compares: Non-Finnish European, 0.000085%; no homozygotes.

Submission:

Labcorp Genetics (formerly Invitae), Labcorp
Classification: Uncertain significance for Propionic acidemia. Last evaluated: 2025-11-05. Review status: criteria provided, single submitter. Criteria: Invitae Variant Classification Sherloc (09022015). Collection method: clinical testing. Allele origin: germline.
Comment: This sequence change replaces leucine, which is neutral and non-polar, with valine, which is neutral and non-polar, at codon 388 of the PCCB protein (p.Leu388Val). This variant is not present in population databases (gnomAD no frequency). This variant has not been reported in the literature in individuals affected with PCCB-related conditions. Invitae Evidence Modeling of protein sequence and biophysical properties (such as structural, functional, and spatial information, amino acid conservation, physicochemical variation, residue mobility, and thermodynamic stability) indicates that this missense variant is not expected to disrupt PCCB protein function with a negative predictive value of 80%. In summary, the available evidence is currently insufficient to determine the role of this variant in disease. Therefore, it has been classified as a Variant of Uncertain Significance.